The following is an entry in ClinVar:

NM_001130438.3(SPTAN1):c.3561G>T (p.Lys1187Asn)

Gene: SPTAN1 (spectrin alpha, non-erythrocytic 1; plus strand). Cytogenetic location: 9q34.11.
Variant type: single nucleotide variant.
Coding change: c.3561G>T on transcript NM_001130438.3 (MANE Select); coding-DNA position 3561, G replaced by T.
Protein change: p.Lys1187Asn; replaces lysine 1187 with asparagine.
Molecular consequence: missense variant.
Genome position (GRCh38, 1-based): chr9:128,600,097, G>T. VCF-style: chr9-128600097-G-T. GRCh37 (hg19) VCF-style: chr9-131362376-G-T.
Other names: c.3501G>T, p.Lys1167Asn (NM_001195532.2, NM_001363765.2, NM_001375314.2); c.3561G>T, p.Lys1187Asn (NM_001363759.2, NM_001375310.1, NM_001375311.2 and 2 more transcripts); c.3597G>T, p.Lys1199Asn (NM_001375312.2, NM_001375318.1); short protein forms K1187N, K1167N, K1199N.
Identifiers: ClinVar variation 1474482 (VCV001474482.10), dbSNP rs950316530, ClinGen allele CA375062637.

ClinVar aggregate classification (germline): Uncertain significance. Review status: criteria provided, multiple submitters, no conflicts (2 of 4 stars). 2 submissions from 2 submitters: Uncertain significance (2). Last evaluated 2025-05-21.

Conditions:
Early-infantile DEE. Also called: Ohtahara syndrome; Early infantile epileptic encephalopathy with suppression bursts; Early infantile epileptic encephalopathy. Identifiers: Orphanet 1934, MedGen C0393706, MONDO:0800491.

Allele frequency attached by ClinVar (database versions not stated): gnomAD 0.00001.
gnomAD v4.1: 1 of 1,614,082 alleles (0.000062%); highest among the groups gnomAD compares: East Asian, 0.0022%; no homozygotes.

Submissions (2):

Labcorp Genetics (formerly Invitae), Labcorp
Classification: Uncertain significance for Early-infantile DEE. Last evaluated: 2025-05-21. Review status: criteria provided, single submitter. Criteria: Invitae Variant Classification Sherloc (09022015). Collection method: clinical testing. Allele origin: germline.
Comment: This sequence change replaces lysine, which is basic and polar, with asparagine, which is neutral and polar, at codon 1187 of the SPTAN1 protein (p.Lys1187Asn). This variant is present in population databases (no rsID available, gnomAD 0.06%). This variant has not been reported in the literature in individuals affected with SPTAN1-related conditions. ClinVar contains an entry for this variant (Variation ID: 1474482). Invitae Evidence Modeling of protein sequence and biophysical properties (such as structural, functional, and spatial information, amino acid conservation, physicochemical variation, residue mobility, and thermodynamic stability) has been performed for this missense variant. However, the output from this modeling did not meet the statistical confidence thresholds required to predict the impact of this variant on SPTAN1 protein function. In summary, the available evidence is currently insufficient to determine the role of this variant in disease. Therefore, it has been classified as a Variant of Uncertain Significance.

Revvity Omics, Revvity
Classification: Uncertain significance. Last evaluated: 2023-08-22. Review status: criteria provided, single submitter. Criteria: ACMG Guidelines, 2015. Collection method: clinical testing. Allele origin: germline.